The following is an entry in ClinVar:

ClinVar aggregate classification (germline): Uncertain significance. Review status: criteria provided, multiple submitters, no conflicts (2 of 4 stars). 3 submissions from 3 submitters: Uncertain significance (3). Last evaluated 2025-12-26.

Conditions:
PKD1-related disorder. Also called: PKD1-related condition.
Polycystic kidney disease, adult type (PKD1). Also called: Polycystic Kidney Disease 1, Autosomal Dominant; Polycystic kidney disease 1; Polycystic kidney disease 1, severe; POLYCYSTIC KIDNEY DISEASE 1 WITH OR WITHOUT POLYCYSTIC LIVER DISEASE; Polycystic Kidney, Autosomal Dominant; POLYCYSTIC KIDNEY DISEASE, ADULT, TYPE I. Identifiers: MedGen C3149841, MONDO:0008263, OMIM 173900.

gnomAD v4.1: 20 of 1,611,096 alleles (0.0012%); highest among the groups gnomAD compares: East Asian, 0.0022%; no homozygotes.

Submissions (3):

PreventionGenetics, part of Exact Sciences
Classification: Uncertain significance for PKD1-related condition. Last evaluated: 2025-12-26. Review status: criteria provided, single submitter. Criteria: ACMG Guidelines, 2015. Collection method: clinical testing. Allele origin: germline.
Comment: The PKD1 c.3679G>A variant is predicted to result in the amino acid substitution p.Ala1227Thr. To our knowledge, this variant has not been reported in the literature or in a large population database (gnomAD), indicating this variant is rare. At this time, the clinical significance of this variant is uncertain due to the absence of conclusive functional and genetic evidence.

Department of Pathology and Laboratory Medicine, Sinai Health System
Classification: Uncertain significance for Polycystic kidney disease, adult type. Last evaluated: 2022-06-15. Review status: criteria provided, single submitter. Criteria: ACMG Guidelines, 2015. Collection method: clinical testing. Allele origin: germline. Affected: yes.

Blueprint Genetics
Classification: Uncertain significance. Last evaluated: 2020-07-15. Review status: criteria provided, single submitter. Criteria: ACMG Guidelines, 2015. Collection method: clinical testing. Allele origin: germline.

NM_001009944.3(PKD1):c.3679G>A (p.Ala1227Thr)

Gene: PKD1 (polycystin 1, transient receptor potential channel interacting; minus strand). Cytogenetic location: 16p13.3.
Variant type: single nucleotide variant.
Coding change: c.3679G>A on transcript NM_001009944.3 (MANE Select); coding-DNA position 3679, G replaced by A.
Protein change: p.Ala1227Thr; replaces alanine 1227 with threonine.
Molecular consequence: missense variant.
Genome position (GRCh38, 1-based): chr16:2,111,488, C>T on the plus strand (G>A on the coding strand, the complement: PKD1 is on the minus strand). VCF-style: chr16-2111488-C-T. GRCh37 (hg19) VCF-style: chr16-2161489-C-T.
Other names: c.3679G>A, p.Ala1227Thr (NM_000296.4); short protein forms A1227T.
Identifiers: ClinVar variation 3780244 (VCV003780244.3).